The following is an entry in ClinVar:

NM_002509.4(NKX2-2):c.223C>A (p.Arg75Ser)

Gene: NKX2-2 (NK2 homeobox 2; minus strand). Cytogenetic location: 20p11.22.
Variant type: single nucleotide variant.
Coding change: c.223C>A on transcript NM_002509.4 (MANE Select); coding-DNA position 223, C replaced by A.
Protein change: p.Arg75Ser; replaces arginine 75 with serine.
Molecular consequence: missense variant.
Genome position (GRCh38, 1-based): chr20:21,513,447, G>T on the plus strand (C>A on the coding strand, the complement: NKX2-2 is on the minus strand). VCF-style: chr20-21513447-G-T. GRCh37 (hg19) VCF-style: chr20-21494085-G-T.
Other names: short protein forms R75S.
Identifiers: ClinVar variation 2229176 (VCV002229176.3), dbSNP rs372549681, ClinGen allele CA9786311.
Genomic context (GRCh38, chr20:21,513,447, plus strand): 5'-CGGCAGCCAAGTTTTGCTACTTACGGGAGTACTGAAGGCCCTCGGTGCTGGCCAGCCAGC[G>T]CGTGTACGGGTTGTCGCTGCTGTCGTAGAAGGGGTTCTTCAGGGGCAGGCTCTGCACCGC-3'
Protein context (NP_002500.1, residues 65-85): FYDSSDNPYT[Arg75Ser]WLASTEGLQY

ClinVar aggregate classification (germline): Uncertain significance (1 of 4 stars; one submission).

Conditions:
Inborn genetic diseases. Identifiers: MedGen C0950123, MeSH D030342.

Allele frequency attached by ClinVar (database versions not stated): gnomAD exomes 0.00003; ESP Exome Variant Server 0.00008.

Submission:

Ambry Genetics
Classification: Uncertain significance for Inborn genetic diseases. Last evaluated: 2024-05-22. Review status: criteria provided, single submitter. Criteria: Ambry Variant Classification Scheme 2023. Collection method: clinical testing. Allele origin: germline.
Comment: The c.223C>A (p.R75S) alteration is located in exon 1 (coding exon 1) of the NKX2-2 gene. This alteration results from a C to A substitution at nucleotide position 223, causing the arginine (R) at amino acid position 75 to be replaced by a serine (S). The in silico prediction for the p.R75S alteration is inconclusive. Based on insufficient or conflicting evidence, the clinical significance of this alteration remains unclear.